The following is an entry in ClinVar:

ClinVar aggregate classification (germline): Uncertain significance (1 of 4 stars; one submission).

Conditions:
Hereditary cancer-predisposing syndrome. Also called: Neoplastic Syndromes, Hereditary; Tumor predisposition; Hereditary Cancer Syndrome; Hereditary neoplastic syndrome. Identifiers: Orphanet 140162, MedGen C0027672, MeSH D009386, MONDO:0015356.

Submission:

Ambry Genetics
Classification: Uncertain significance for Hereditary cancer-predisposing syndrome. Last evaluated: 2025-09-30. Review status: criteria provided, single submitter. Criteria: Ambry Variant Classification Scheme 2023. Collection method: clinical testing. Allele origin: germline.
Comment: The c.1632A>G variant (also known as p.*544Wext*48), located in coding exon 14 of the CHEK2 gene, results from an A to G substitution at nucleotide position 1632. This alteration disrupts the stop codon and is predicted to preserve the native sequence while resulting in the elongation of the protein by 48 amino acids. The exact functional effect of the additional amino acids is unknown. Based on the available evidence, the clinical significance of this variant remains unclear.

NM_007194.4(CHEK2):c.1632A>G (p.Ter544Trp)

Gene: CHEK2 (checkpoint kinase 2; minus strand). Cytogenetic location: 22q12.1.
Variant type: single nucleotide variant.
Coding change: c.1632A>G on transcript NM_007194.4 (MANE Select); coding-DNA position 1632, A replaced by G.
Protein change: p.Ter544Trp.
Molecular consequence: stop lost.
Genome position (GRCh38, 1-based): chr22:28,687,897, T>C on the plus strand (A>G on the coding strand, the complement: CHEK2 is on the minus strand). VCF-style: chr22-28687897-T-C. GRCh37 (hg19) VCF-style: chr22-29083885-T-C.
Other names: c.1761A>G, p.Ter587Trp (NM_001005735.3); c.969A>G, p.Ter323Trp (NM_001257387.3, NM_001437942.1); c.1431A>G, p.Ter477Trp (NM_001349956.3); c.1725A>G, p.Ter575Trp (NM_001438293.1); c.1674A>G, p.Ter558Trp (NM_001438294.1); c.1638A>G, p.Ter546Trp (NM_001438295.1); c.1545A>G, p.Ter515Trp (NM_145862.3).
Identifiers: ClinVar variation 4634763 (VCV004634763.1).